The following is an entry in ClinVar:

ClinVar aggregate classification (germline): Uncertain significance (1 of 4 stars; one submission).

Conditions:
Distal myopathy with posterior leg and anterior hand involvement. Also called: WILLIAMS DISTAL MYOPATHY. Identifiers: Orphanet 63273, MedGen C3279722, MONDO:0013550, OMIM 614065.
Hypertrophic cardiomyopathy 26. Also called: Cardiomyopathy, familial hypertrophic, 26. Identifiers: Orphanet 75249, MedGen C4310749, MONDO:0014883, OMIM 617047.
Myofibrillar myopathy 5. Also called: Filaminopathy (type); FILAMINOPATHY, AUTOSOMAL DOMINANT. Identifiers: Orphanet 171445, MedGen C1836050, MONDO:0012289, OMIM 609524.

Submission:

Labcorp Genetics (formerly Invitae), Labcorp
Classification: Uncertain significance for Distal myopathy with posterior leg and anterior hand involvement; Myofibrillar myopathy 5; Hypertrophic cardiomyopathy 26. Last evaluated: 2020-08-20. Review status: criteria provided, single submitter. Criteria: Invitae Variant Classification Sherloc (09022015). Collection method: clinical testing. Allele origin: germline.
Comment: In summary, the available evidence is currently insufficient to determine the role of this variant in disease. Therefore, it has been classified as a Variant of Uncertain Significance. Algorithms developed to predict the effect of sequence changes on RNA splicing suggest that this variant may create or strengthen a splice site, but this prediction has not been confirmed by published transcriptional studies. This variant has not been reported in the literature in individuals with FLNC-related conditions. The frequency data for this variant in the population databases is considered unreliable, as metrics indicate poor data quality at this position in the ExAC database. This variant, c.3905_3919dup, results in the insertion of 5 amino acid(s) to the FLNC protein (p.Thr1302_Asp1306dup), but otherwise preserves the integrity of the reading frame.

NM_001458.5(FLNC):c.3905_3919dup (p.Thr1302_Asp1306dup)

Gene: FLNC (filamin C; plus strand). Cytogenetic location: 7q32.1.
Variant type: Duplication.
Coding change: c.3905_3919dup on transcript NM_001458.5 (MANE Select); coding-DNA positions 3905 to 3919, 15 bases duplicated (CCTATGTGACAGACA).
Protein change: p.Thr1302_Asp1306dup.
Molecular consequence: inframe insertion.
Genome position (GRCh38, 1-based): chr7:128,846,104-128,846,118, CCTATGTGACAGACA duplicated; duplicating any 15 consecutive bases within chr7:128,846,096-128,846,118 gives the same sequence; the c. name uses the placement nearest the transcript's 3' end. VCF-style (leftmost placement, unchanged base first): chr7-128846095-A-AGACAGACACCTATGT. GRCh37 (hg19) VCF-style: chr7-128486149-A-AGACAGACACCTATGT.
Other names: c.3905_3919dup, p.Thr1302_Asp1306dup (NM_001127487.2).
Identifiers: ClinVar variation 1003407 (VCV001003407.9), dbSNP rs756167665, ClinGen allele CA4475170.